The following is an entry in ClinVar:

ClinVar aggregate classification (germline): Uncertain significance (1 of 4 stars; one submission).

Allele frequency attached by ClinVar (database versions not stated): gnomAD exomes below 0.00001.
gnomAD v4.1: 1 of 1,614,140 alleles (0.000062%); highest among the groups gnomAD compares: Non-Finnish European, 0.000085%; no homozygotes.

Submission:

Labcorp Genetics (formerly Invitae), Labcorp
Classification: Uncertain significance. Last evaluated: 2022-10-24. Review status: criteria provided, single submitter. Criteria: Invitae Variant Classification Sherloc (09022015). Collection method: clinical testing. Allele origin: germline.
Comment: This variant is not present in population databases (gnomAD no frequency). This sequence change replaces isoleucine, which is neutral and non-polar, with valine, which is neutral and non-polar, at codon 200 of the PCYT1A protein (p.Ile200Val). This variant has not been reported in the literature in individuals affected with PCYT1A-related conditions. In summary, the available evidence is currently insufficient to determine the role of this variant in disease. Therefore, it has been classified as a Variant of Uncertain Significance. Advanced modeling of protein sequence and biophysical properties (such as structural, functional, and spatial information, amino acid conservation, physicochemical variation, residue mobility, and thermodynamic stability) performed at Invitae indicates that this missense variant is not expected to disrupt PCYT1A protein function.

NM_001312673.2(PCYT1A):c.598A>G (p.Ile200Val)

Gene: PCYT1A (phosphate cytidylyltransferase 1A, choline; minus strand). Cytogenetic location: 3q29.
Variant type: single nucleotide variant.
Coding change: c.598A>G on transcript NM_001312673.2 (MANE Select); coding-DNA position 598, A replaced by G.
Protein change: p.Ile200Val; replaces isoleucine 200 with valine.
Molecular consequence: missense variant.
Genome position (GRCh38, 1-based): chr3:196,242,058, T>C on the plus strand (A>G on the coding strand, the complement: PCYT1A is on the minus strand). VCF-style: chr3-196242058-T-C. GRCh37 (hg19) VCF-style: chr3-195968929-T-C.
Other names: c.598A>G, p.Ile200Val (NM_005017.4); short protein forms I200V.
Identifiers: ClinVar variation 2045488 (VCV002045488.4), dbSNP rs2474020038, ClinGen allele CA355611512.
Genomic context (GRCh38, chr3:196,242,058, plus strand): 5'-TCCGCCTCGCATACACATCATAATCCCGCACAATTCGGGTGATGATGTCTGATGTGGAGA[T>C]ACCTTCTGTCCTCTGTGTTGGAGCAAACATGCCTAACTCAGAAACACATACAGACAAACA-3'
Protein context (NP_001299602.1, residues 190-210): MFAPTQRTEG[Ile200Val]STSDIITRIV